The following is an entry in ClinVar:

ClinVar aggregate classification (germline): Uncertain significance (1 of 4 stars; one submission).

Conditions:
Rubinstein-Taybi syndrome (RSTS). Identifiers: Orphanet 783, MedGen C0035934, MONDO:0019188.

Submission:

Labcorp Genetics (formerly Invitae), Labcorp
Classification: Uncertain significance for Rubinstein-Taybi syndrome. Last evaluated: 2023-04-17. Review status: criteria provided, single submitter. Criteria: Invitae Variant Classification Sherloc (09022015). Collection method: clinical testing. Allele origin: germline.
Comment: This sequence change replaces glutamic acid, which is acidic and polar, with aspartic acid, which is acidic and polar, at codon 1243 of the CREBBP protein (p.Glu1243Asp). In summary, the available evidence is currently insufficient to determine the role of this variant in disease. Therefore, it has been classified as a Variant of Uncertain Significance. Advanced modeling of protein sequence and biophysical properties (such as structural, functional, and spatial information, amino acid conservation, physicochemical variation, residue mobility, and thermodynamic stability) performed at Invitae indicates that this missense variant is not expected to disrupt CREBBP protein function. This variant has not been reported in the literature in individuals affected with CREBBP-related conditions. This variant is not present in population databases (gnomAD no frequency).

NM_004380.3(CREBBP):c.3729G>C (p.Glu1243Asp)

Gene: CREBBP (CREB binding lysine acetyltransferase; minus strand). Cytogenetic location: 16p13.3.
Variant type: single nucleotide variant.
Coding change: c.3729G>C on transcript NM_004380.3 (MANE Select); coding-DNA position 3729, G replaced by C.
Protein change: p.Glu1243Asp; replaces glutamic acid 1243 with aspartic acid.
Molecular consequence: missense variant.
Genome position (GRCh38, 1-based): chr16:3,751,776, C>G on the plus strand (G>C on the coding strand, the complement: CREBBP is on the minus strand). VCF-style: chr16-3751776-C-G. GRCh37 (hg19) VCF-style: chr16-3801777-C-G.
Other names: c.3615G>C, p.Glu1205Asp (NM_001079846.1); short protein forms E1205D, E1243D.
Identifiers: ClinVar variation 2964413 (VCV002964413.3), dbSNP rs772122640, ClinGen allele CA394568073.